The following is an entry in ClinVar:

ClinVar aggregate classification (germline): Uncertain significance. Review status: criteria provided, multiple submitters, no conflicts (2 of 4 stars). 3 submissions from 3 submitters: Uncertain significance (3). Last evaluated 2025-04-21.

Allele frequency attached by ClinVar (database versions not stated): TOPMed 0.00004; ExAC 0.00005; gnomAD 0.00007; 1000 Genomes Project 0.00020; 1000 Genomes Project 30x 0.00031.
gnomAD v4.1: 145 of 1,551,462 alleles (0.0093%); highest among the groups gnomAD compares: Non-Finnish European, 0.012%; no homozygotes.

Submissions (3):

Ambry Genetics
Classification: Uncertain significance. Last evaluated: 2025-04-21. Review status: criteria provided, single submitter. Criteria: Ambry Variant Classification Scheme 2023. Collection method: clinical testing. Allele origin: germline.

Labcorp Genetics (formerly Invitae), Labcorp
Classification: Uncertain significance. Last evaluated: 2024-10-21. Review status: criteria provided, single submitter. Criteria: Invitae Variant Classification Sherloc (09022015). Collection method: clinical testing. Allele origin: germline.
Comment: This sequence change replaces glutamic acid, which is acidic and polar, with aspartic acid, which is acidic and polar, at codon 485 of the DHX38 protein (p.Glu485Asp). This variant is present in population databases (rs199893016, gnomAD 0.006%). This variant has not been reported in the literature in individuals affected with DHX38-related conditions. ClinVar contains an entry for this variant (Variation ID: 1931169). Invitae Evidence Modeling of protein sequence and biophysical properties (such as structural, functional, and spatial information, amino acid conservation, physicochemical variation, residue mobility, and thermodynamic stability) indicates that this missense variant is not expected to disrupt DHX38 protein function with a negative predictive value of 80%. In summary, the available evidence is currently insufficient to determine the role of this variant in disease. Therefore, it has been classified as a Variant of Uncertain Significance.

Blueprint Genetics
Classification: Uncertain significance. Last evaluated: 2021-05-12. Review status: criteria provided, single submitter. Criteria: ACMG Guidelines, 2015. Collection method: clinical testing. Allele origin: germline.

NM_014003.4(DHX38):c.1455A>C (p.Glu485Asp)

Gene: DHX38 (DEAH-box helicase 38; plus strand). Cytogenetic location: 16q22.2.
Variant type: single nucleotide variant.
Coding change: c.1455A>C on transcript NM_014003.4 (MANE Select); coding-DNA position 1455, A replaced by C.
Protein change: p.Glu485Asp; replaces glutamic acid 485 with aspartic acid.
Molecular consequence: missense variant.
Genome position (GRCh38, 1-based): chr16:72,101,568, A>C. VCF-style: chr16-72101568-A-C. GRCh37 (hg19) VCF-style: chr16-72135467-A-C.
Other names: c.1455A>C (NM_014003.3); short protein forms E485D.
Identifiers: ClinVar variation 1931169 (VCV001931169.5), dbSNP rs199893016, ClinGen allele CA8160320.